The following is an entry in ClinVar:

ClinVar aggregate classification (germline): Uncertain significance. Review status: criteria provided, multiple submitters, no conflicts (2 of 4 stars). 2 submissions from 2 submitters: Uncertain significance (2). Last evaluated 2024-05-02.

Conditions:
Hereditary cancer-predisposing syndrome. Also called: Neoplastic Syndromes, Hereditary; Tumor predisposition; Hereditary Cancer Syndrome; Hereditary neoplastic syndrome. Identifiers: Orphanet 140162, MedGen C0027672, MeSH D009386, MONDO:0015356.

Submissions (2):

Ambry Genetics
Classification: Uncertain significance for Hereditary cancer-predisposing syndrome. Last evaluated: 2024-05-02. Review status: criteria provided, single submitter. Criteria: Ambry Variant Classification Scheme 2023. Collection method: clinical testing. Allele origin: germline.
Comment: The p.M1001T variant (also known as c.3002T>C), located in coding exon 19 of the RAD50 gene, results from a T to C substitution at nucleotide position 3002. The methionine at codon 1001 is replaced by threonine, an amino acid with similar properties. This amino acid position is conserved. In addition, this alteration is predicted to be tolerated by in silico analysis. Since supporting evidence is limited at this time, the clinical significance of this alteration remains unclear.

Labcorp Genetics (formerly Invitae), Labcorp
Classification: Uncertain significance for Hereditary cancer-predisposing syndrome. Last evaluated: 2022-10-29. Review status: criteria provided, single submitter. Criteria: Invitae Variant Classification Sherloc (09022015). Collection method: clinical testing. Allele origin: germline.
Comment: In summary, the available evidence is currently insufficient to determine the role of this variant in disease. Therefore, it has been classified as a Variant of Uncertain Significance. Advanced modeling of protein sequence and biophysical properties (such as structural, functional, and spatial information, amino acid conservation, physicochemical variation, residue mobility, and thermodynamic stability) performed at Invitae indicates that this missense variant is not expected to disrupt RAD50 protein function. This variant has not been reported in the literature in individuals affected with RAD50-related conditions. This variant is not present in population databases (gnomAD no frequency). This sequence change replaces methionine, which is neutral and non-polar, with threonine, which is neutral and polar, at codon 1001 of the RAD50 protein (p.Met1001Thr).

NM_005732.4(RAD50):c.3002T>C (p.Met1001Thr)

Gene: RAD50 (RAD50 double strand break repair protein; plus strand). Cytogenetic location: 5q31.1.
Variant type: single nucleotide variant.
Coding change: c.3002T>C on transcript NM_005732.4 (MANE Select); coding-DNA position 3002, T replaced by C.
Protein change: p.Met1001Thr; replaces methionine 1001 with threonine.
Molecular consequence: missense variant.
Genome position (GRCh38, 1-based): chr5:132,609,362, T>C. VCF-style: chr5-132609362-T-C. GRCh37 (hg19) VCF-style: chr5-131945054-T-C.
Other names: short protein forms M1001T.
Identifiers: ClinVar variation 1798714 (VCV001798714.6), dbSNP rs1476162742, ClinGen allele CA360960849.